The following is an entry in ClinVar:

ClinVar aggregate classification (germline): Uncertain significance (1 of 4 stars; one submission).

Conditions:
Fanconi anemia (FA). Also called: Fanconi's anemia. Identifiers: Orphanet 84, MedGen C0015625, MeSH D005199, MONDO:0019391.

Allele frequency attached by ClinVar (database versions not stated): ExAC 0.00001; gnomAD 0.00001; gnomAD exomes 0.00001; 1000 Genomes Project 30x 0.00016; 1000 Genomes Project 0.00020.
gnomAD v4.1: 9 of 1,612,570 alleles (0.00056%); highest among the groups gnomAD compares: South Asian, 0.0088%; no homozygotes.

Submission:

Labcorp Genetics (formerly Invitae), Labcorp
Classification: Uncertain significance for Fanconi anemia. Last evaluated: 2022-01-03. Review status: criteria provided, single submitter. Criteria: Invitae Variant Classification Sherloc (09022015). Collection method: clinical testing. Allele origin: germline.
Comment: This sequence change affects codon 765 of the FANCD2 mRNA. It is a 'silent' change, meaning that it does not change the encoded amino acid sequence of the FANCD2 protein. This variant is present in population databases (rs559267404, gnomAD 0.003%). This variant has not been reported in the literature in individuals affected with FANCD2-related conditions. Algorithms developed to predict the effect of sequence changes on RNA splicing suggest that this variant may create or strengthen a splice site. In summary, the available evidence is currently insufficient to determine the role of this variant in disease. Therefore, it has been classified as a Variant of Uncertain Significance.

NM_001018115.3(FANCD2):c.2295G>A (p.Leu765=)

Genes: FANCD2 (FA complementation group D2; plus strand), LOC107303338 (3p25 FANCD2 Alu-mediated recombination region; plus strand). Cytogenetic location: 3p25.3.
Variant type: single nucleotide variant.
Coding change: c.2295G>A on transcript NM_001018115.3 (MANE Select); coding-DNA position 2295, G replaced by A.
Protein change: p.Leu765=; no amino-acid change (leucine 765 retained).
Molecular consequence: synonymous variant.
Genome position (GRCh38, 1-based): chr3:10,065,889, G>A. VCF-style: chr3-10065889-G-A. GRCh37 (hg19) VCF-style: chr3-10107573-G-A.
Other names: c.2295G>A, p.Leu765= (NM_001319984.2, NM_001374254.1, NM_033084.6); c.2184G>A, p.Leu728= (NM_001374253.1).
Identifiers: ClinVar variation 2195139 (VCV002195139.1), dbSNP rs559267404, ClinGen allele CA2250034.